The following is an entry in ClinVar:

NM_003072.5(SMARCA4):c.668C>T (p.Pro223Leu)

Gene: SMARCA4 (SWI/SNF related BAF chromatin remodeling complex subunit ATPase 4; plus strand). Cytogenetic location: 19p13.2.
Variant type: single nucleotide variant.
Coding change: c.668C>T on transcript NM_003072.5 (MANE Select); coding-DNA position 668, C replaced by T.
Protein change: p.Pro223Leu; replaces proline 223 with leucine.
Molecular consequence: missense variant. On other transcripts: non-coding transcript variant (1).
Genome position (GRCh38, 1-based): chr19:10,986,501, C>T. VCF-style: chr19-10986501-C-T. GRCh37 (hg19) VCF-style: chr19-11097177-C-T.
Other names: c.668C>T, p.Pro223Leu (NM_001128844.3, NM_001128845.2, NM_001128846.2 and 5 more transcripts); short protein forms P223L.
Identifiers: ClinVar variation 1064095 (VCV001064095.11), dbSNP rs2145782523, ClinGen allele CA404056892.
Genomic context (GRCh38, chr19:10,986,501, plus strand): 5'-CGGTGCAGGGCAAGCGGCCGATGCCCGGGATGCAGCAGCAGATGCCAACGCTACCTCCAC[C>T]CTCGGTGTCCGCAACAGGACCCGGCCCTGGCCCTGGCCCTGGCCCCGGCCCGGGTCCCGG-3'
Protein context (NP_003063.2, residues 213-233): MQQQMPTLPP[Pro223Leu]SVSATGPGPG

ClinVar aggregate classification (germline): Uncertain significance. Review status: criteria provided, multiple submitters, no conflicts (2 of 4 stars). 2 submissions from 2 submitters: Uncertain significance (2). Last evaluated 2022-05-26.

Conditions:
Hereditary cancer-predisposing syndrome. Also called: Hereditary Cancer Syndrome; Hereditary neoplastic syndrome; Neoplastic Syndromes, Hereditary; Tumor predisposition. Identifiers: Orphanet 140162, MedGen C0027672, MeSH D009386, MONDO:0015356.
Rhabdoid tumor predisposition syndrome 2 (RTPS2). Identifiers: Orphanet 231108, Orphanet 69077, MedGen C2750074, MONDO:0013224, OMIM 613325.

Submissions (2):

Ambry Genetics
Classification: Uncertain significance for Hereditary cancer-predisposing syndrome. Last evaluated: 2022-05-26. Review status: criteria provided, single submitter. Criteria: Ambry Variant Classification Scheme 2023. Collection method: clinical testing. Allele origin: germline.
Comment: The p.P223L variant (also known as c.668C>T), located in coding exon 3 of the SMARCA4 gene, results from a C to T substitution at nucleotide position 668. The proline at codon 223 is replaced by leucine, an amino acid with similar properties. This amino acid position is highly conserved in available vertebrate species. In addition, the in silico prediction for this alteration is inconclusive. Missense and in-frame variants in SMARCA4 are known to cause neurodevelopmental disorders; however, such associations with rhabdoid tumor predisposition syndrome including small cell carcinoma of the ovary-hypercalcemic type (SCCOHT) are exceedingly rare (Kosho T et al. Am J Med Genet C Semin Med Genet. 2014 Sep;166C(3):262-75; Jelinic P et al. Nat Genet. 2014 May;46(5):424-6). Based on the supporting evidence, the association of this alteration with Coffin-Siris syndrome is unknown; however, the association of this alteration with rhabdoid tumor predisposition syndrome is unlikely.

Labcorp Genetics (formerly Invitae), Labcorp
Classification: Uncertain significance for Rhabdoid tumor predisposition syndrome 2. Last evaluated: 2020-05-25. Review status: criteria provided, single submitter. Criteria: Invitae Variant Classification Sherloc (09022015). Collection method: clinical testing. Allele origin: germline.
Comment: In summary, the available evidence is currently insufficient to determine the role of this variant in disease. Therefore, it has been classified as a Variant of Uncertain Significance. Algorithms developed to predict the effect of missense changes on protein structure and function are either unavailable or do not agree on the potential impact of this missense change (SIFT: "Deleterious"; PolyPhen-2: "Benign"; Align-GVGD: "Class C0"). This variant has not been reported in the literature in individuals with SMARCA4-related conditions. The frequency data for this variant in the population databases is considered unreliable, as metrics indicate insufficient coverage at this position in the ExAC database. This sequence change replaces proline with leucine at codon 223 of the SMARCA4 protein (p.Pro223Leu). The proline residue is moderately conserved and there is a moderate physicochemical difference between proline and leucine.